The following is an entry in ClinVar:

ClinVar aggregate classification (germline): Pathogenic (1 of 4 stars; one submission).

Conditions:
Propionic acidemia (PROP). Also called: GLYCINEMIA, KETOTIC; HYPERGLYCINEMIA WITH KETOACIDOSIS AND LEUKOPENIA; KETOTIC HYPERGLYCINEMIA. Identifiers: Orphanet 35, MedGen C0268579, MONDO:0011628, OMIM 606054, HP:0003571.

Submission:

Labcorp Genetics (formerly Invitae), Labcorp
Classification: Pathogenic for Propionic acidemia. Last evaluated: 2023-12-01. Review status: criteria provided, single submitter. Criteria: Invitae Variant Classification Sherloc (09022015). Collection method: clinical testing. Allele origin: unknown.
Comment: This variant is a gross deletion of the genomic region encompassing exon(s) 13-16 of the PCCA gene. This deletion is out-of-frame, and is expected to create a premature termination codon and result in an absent or disrupted protein product. Loss-of-function variants in PCCA are known to be pathogenic (PMID: 15464417). This variant has not been reported in the literature in individuals affected with PCCA-related conditions. For these reasons, this variant has been classified as Pathogenic.

Literature cited by the submitters: PubMed 15464417.

NC_000013.10:g.(?_100953694)_(100962182_?)del

Gene: PCCA (propionyl-CoA carboxylase subunit alpha; plus strand). Cytogenetic location: 13q32.3.
Variant type: Deletion.
Identifiers: ClinVar variation 3244145 (VCV003244145.1).